The following is an entry in ClinVar:

NM_014159.7(SETD2):c.695A>T (p.Asp232Val)

Gene: SETD2 (SET domain containing 2, histone lysine methyltransferase; minus strand). Cytogenetic location: 3p21.31.
Variant type: single nucleotide variant.
Coding change: c.695A>T on transcript NM_014159.7 (MANE Select); coding-DNA position 695, A replaced by T.
Protein change: p.Asp232Val; replaces aspartic acid 232 with valine.
Molecular consequence: missense variant. On other transcripts: non-coding transcript variant (1).
Genome position (GRCh38, 1-based): chr3:47,123,941, T>A on the plus strand (A>T on the coding strand, the complement: SETD2 is on the minus strand). VCF-style: chr3-47123941-T-A. GRCh37 (hg19) VCF-style: chr3-47165431-T-A.
Other names: c.563A>T, p.Asp188Val (NM_001349370.3); short protein forms D188V, D232V.
Identifiers: ClinVar variation 2630181 (VCV002630181.1), dbSNP rs1452709845, ClinGen allele CA352535355.
Genomic context (GRCh38, chr3:47,123,941, plus strand): 5'-GCTTCTAAAGATTCTGGTACAATTATAATTGGTGGTTCTTTCAGAGATCTAACTGCTACA[T>A]CTACTGGTAAGGGTACTGGTGCTGCCATTAGAACTGTTATTGGTGTATGTGGCAAGGCCA-3'
Protein context (NP_054878.5, residues 222-242): LMAAPVPLPV[Asp232Val]VAVRSLKEPP

ClinVar aggregate classification (germline): Uncertain significance (1 of 4 stars; one submission).

Conditions:
SETD2-related disorder.

Allele frequency attached by ClinVar (database versions not stated): TOPMed below 0.00001; gnomAD 0.00001.
gnomAD v4.1: 5 of 1,551,642 alleles (0.00032%); highest among the groups gnomAD compares: Non-Finnish European, 0.00044%; no homozygotes.

Submission:

PreventionGenetics, part of Exact Sciences
Classification: Uncertain significance for SETD2-related condition. Last evaluated: 2023-05-19. Review status: criteria provided, single submitter. Criteria: ACMG Guidelines, 2015. Collection method: clinical testing. Allele origin: germline.
Comment: The SETD2 c.695A>T variant is predicted to result in the amino acid substitution p.Asp232Val. To our knowledge, this variant has not been reported in the literature or in a large population database, indicating this variant is rare. At this time, the clinical significance of this variant is uncertain due to the absence of conclusive functional and genetic evidence.